The following is an entry in ClinVar:

ClinVar aggregate classification (germline): Uncertain significance. Review status: criteria provided, multiple submitters, no conflicts (2 of 4 stars). 4 submissions from 4 submitters: Uncertain significance (4). Last evaluated 2024-11-25.

Conditions:
Familial focal epilepsy with variable foci (FPEVF). Identifiers: Orphanet 98820, MedGen C1858477, MONDO:0020310.
Inborn genetic diseases. Identifiers: MedGen C0950123, MeSH D030342.

Allele frequency attached by ClinVar (database versions not stated): ExAC 0.00002; gnomAD exomes 0.00002 and 0.00005; gnomAD 0.00003; TOPMed 0.00004; ESP Exome Variant Server 0.00008.
gnomAD v4.1: 75 of 1,613,772 alleles (0.0046%); highest among the groups gnomAD compares: Non-Finnish European, 0.0058%; no homozygotes.

Submissions (4):

Athena Diagnostics
Classification: Uncertain significance. Last evaluated: 2024-11-25. Review status: criteria provided, single submitter. Criteria: Athena Diagnostics Criteria. Collection method: clinical testing. Allele origin: unknown.
Comment: Available data are insufficient to determine the clinical significance of the variant at this time. The frequency of this variant in the general population is uninformative in assessment of its pathogenicity. Polyphen and MutationTaster yielded discordant predictions regarding whether this amino acid change is damaging to the protein.

Labcorp Genetics (formerly Invitae), Labcorp
Classification: Uncertain significance for Familial focal epilepsy with variable foci. Last evaluated: 2024-11-07. Review status: criteria provided, single submitter. Criteria: Invitae Variant Classification Sherloc (09022015). Collection method: clinical testing. Allele origin: germline.
Comment: This sequence change replaces valine, which is neutral and non-polar, with isoleucine, which is neutral and non-polar, at codon 902 of the DEPDC5 protein (p.Val902Ile). This variant is present in population databases (rs374944205, gnomAD 0.007%). This variant has not been reported in the literature in individuals affected with DEPDC5-related conditions. ClinVar contains an entry for this variant (Variation ID: 466474). Experimental studies and prediction algorithms are not available or were not evaluated, and the functional significance of this variant is currently unknown. In summary, the available evidence is currently insufficient to determine the role of this variant in disease. Therefore, it has been classified as a Variant of Uncertain Significance.

Women's Health and Genetics/Laboratory Corporation of America, LabCorp
Classification: Uncertain significance. Last evaluated: 2024-02-02. Review status: criteria provided, single submitter. Criteria: LabCorp Variant Classification Summary - May 2015. Collection method: clinical testing. Allele origin: germline.
Comment: Variant summary: DEPDC5 c.2704G>A (p.Val902Ile) results in a conservative amino acid change in the encoded protein sequence. Four of five in-silico tools predict a benign effect of the variant on protein function. The variant allele was found at a frequency of 1.6e-05 in 249574 control chromosomes. The available data on variant occurrences in the general population are insufficient to allow any conclusion about variant significance. To our knowledge, no occurrence of c.2704G>A in individuals affected with Epilepsy, Familial Focal, With Variable Foci 1 and no experimental evidence demonstrating its impact on protein function have been reported. ClinVar contains an entry for this variant (Variation ID: 466474). Based on the evidence outlined above, the variant was classified as uncertain significance.

Ambry Genetics
Classification: Uncertain significance for Inborn genetic diseases. Last evaluated: 2023-03-06. Review status: criteria provided, single submitter. Criteria: Ambry Variant Classification Scheme 2023. Collection method: clinical testing. Allele origin: germline.

NM_001242896.3(DEPDC5):c.2704G>A (p.Val902Ile)

Gene: DEPDC5 (DEP domain containing 5, GATOR1 subcomplex subunit; plus strand). Cytogenetic location: 22q12.3.
Variant type: single nucleotide variant.
Coding change: c.2704G>A on transcript NM_001242896.3 (MANE Select); coding-DNA position 2704, G replaced by A.
Protein change: p.Val902Ile; replaces valine 902 with isoleucine.
Molecular consequence: missense variant. On other transcripts: non-coding transcript variant (5).
Genome position (GRCh38, 1-based): chr22:31,843,715, G>A. VCF-style: chr22-31843715-G-A. GRCh37 (hg19) VCF-style: chr22-32239701-G-A.
Other names: c.2677G>A, p.Val893Ile (NM_001136029.4, NM_001369903.1, NM_014662.6); c.2470G>A, p.Val824Ile (NM_001242897.2, NM_001363854.2, NM_001364319.2); c.2704G>A, p.Val902Ile (NM_001363852.2, NM_001364318.2, NM_001364320.2); c.2620G>A, p.Val874Ile (NM_001369901.1, NM_001369902.1); short protein forms V902I, V824I, V893I, V874I.
Identifiers: ClinVar variation 466474 (VCV000466474.16), dbSNP rs374944205, ClinGen allele CA10196783.